The following is an entry in ClinVar:

ClinVar aggregate classification (germline): Pathogenic (1 of 4 stars; one submission).

Conditions:
Inborn genetic diseases. Identifiers: MedGen C0950123, MeSH D030342.

Submission:

Ambry Genetics
Classification: Pathogenic for Inborn genetic diseases. Last evaluated: 2023-02-23. Review status: criteria provided, single submitter. Criteria: Ambry Variant Classification Scheme 2023. Collection method: clinical testing. Allele origin: germline.
Comment: The c.823delA (p.S275Vfs*33) alteration, located in exon 6 (coding exon 5) of the RUNX2 gene, consists of a deletion of one nucleotide at position 823, causing a translational frameshift with a predicted alternate stop codon after 33 amino acids. This alteration is expected to result in loss of function by premature protein truncation or nonsense-mediated mRNA decay. This variant was not reported in population-based cohorts in the Genome Aggregation Database (gnomAD). Based on the available evidence, this alteration is classified as pathogenic.

NM_001024630.4(RUNX2):c.823del (p.Ser275fs)

Gene: RUNX2 (RUNX family transcription factor 2; plus strand). Cytogenetic location: 6p21.1.
Variant type: Deletion.
Coding change: c.823del on transcript NM_001024630.4 (MANE Select); coding-DNA position 823, one base deleted (A; older notation c.823delA).
Protein change: p.Ser275fs; shifts the reading frame from serine 275.
Molecular consequence: frameshift variant.
Genome position (GRCh38, 1-based): chr6:45,492,078, A deleted; the last of 2 consecutive A bases (chr6:45,492,077-45,492,078); deleting either gives the same sequence. VCF-style (leftmost placement, unchanged base first): chr6-45492076-CA-C. GRCh37 (hg19) VCF-style: chr6-45459813-CA-C.
Other names: c.823del, p.Ser275fs (NM_001015051.4); c.781del, p.Ser261fs (NM_001278478.2, NM_001369405.1); c.781delA, p.Ser261Valfs (NM_004348.3); short protein forms S261fs, S275fs.
Identifiers: ClinVar variation 2456186 (VCV002456186.2), dbSNP rs2548635868, ClinGen allele CA2580074683.